The following is an entry in ClinVar:

ClinVar aggregate classification (germline): Uncertain significance (1 of 4 stars; one submission).

Allele frequency attached by ClinVar (database versions not stated): ExAC 0.00001; gnomAD exomes 0.00001; TOPMed 0.00001; gnomAD 0.00002.
gnomAD v4.1: 13 of 1,608,724 alleles (0.00081%); highest among the groups gnomAD compares: African/African-American, 0.0013%; no homozygotes.

Submission:

Labcorp Genetics (formerly Invitae), Labcorp
Classification: Uncertain significance. Last evaluated: 2025-12-20. Review status: criteria provided, single submitter. Criteria: Invitae Variant Classification Sherloc (09022015). Collection method: clinical testing. Allele origin: germline.
Comment: This sequence change replaces arginine, which is basic and polar, with histidine, which is basic and polar, at codon 1104 of the DCHS1 protein (p.Arg1104His). This variant is present in population databases (rs757317023, gnomAD 0.004%). This variant has not been reported in the literature in individuals affected with DCHS1-related conditions. ClinVar contains an entry for this variant (Variation ID: 2200196). Invitae Evidence Modeling of protein sequence and biophysical properties (such as structural, functional, and spatial information, amino acid conservation, physicochemical variation, residue mobility, and thermodynamic stability) indicates that this missense variant is expected to disrupt DCHS1 protein function with a positive predictive value of 80%. In summary, the available evidence is currently insufficient to determine the role of this variant in disease. Therefore, it has been classified as a Variant of Uncertain Significance.

NM_003737.4(DCHS1):c.3311G>A (p.Arg1104His)

Gene: DCHS1 (dachsous cadherin-related 1; minus strand). Cytogenetic location: 11p15.4.
Variant type: single nucleotide variant.
Coding change: c.3311G>A on transcript NM_003737.4 (MANE Select); coding-DNA position 3311, G replaced by A.
Protein change: p.Arg1104His; replaces arginine 1104 with histidine.
Molecular consequence: missense variant.
Genome position (GRCh38, 1-based): chr11:6,632,201, C>T on the plus strand (G>A on the coding strand, the complement: DCHS1 is on the minus strand). VCF-style: chr11-6632201-C-T. GRCh37 (hg19) VCF-style: chr11-6653432-C-T.
Other names: short protein forms R1104H.
Identifiers: ClinVar variation 2200196 (VCV002200196.4), dbSNP rs757317023, ClinGen allele CA5860565.